The following is an entry in ClinVar:

ClinVar aggregate classification (germline): Uncertain significance. Review status: criteria provided, multiple submitters, no conflicts (2 of 4 stars). 2 submissions from 2 submitters: Uncertain significance (2). Last evaluated 2023-12-08.

Conditions:
Inborn genetic diseases. Identifiers: MedGen C0950123, MeSH D030342.

Allele frequency attached by ClinVar (database versions not stated): ExAC 0.00002; 1000 Genomes Project 30x 0.00016; 1000 Genomes Project 0.00020.
gnomAD v4.1: 38 of 1,613,494 alleles (0.0024%); highest among the groups gnomAD compares: Non-Finnish European, 0.0031%; no homozygotes.

Submissions (2):

Ambry Genetics
Classification: Uncertain significance for Inborn genetic diseases. Last evaluated: 2023-12-08. Review status: criteria provided, single submitter. Criteria: Ambry Variant Classification Scheme 2023. Collection method: clinical testing. Allele origin: germline.

Labcorp Genetics (formerly Invitae), Labcorp
Classification: Uncertain significance. Last evaluated: 2022-04-03. Review status: criteria provided, single submitter. Criteria: Invitae Variant Classification Sherloc (09022015). Collection method: clinical testing. Allele origin: germline.
Comment: In summary, the available evidence is currently insufficient to determine the role of this variant in disease. Therefore, it has been classified as a Variant of Uncertain Significance. Algorithms developed to predict the effect of missense changes on protein structure and function (SIFT, PolyPhen-2, Align-GVGD) all suggest that this variant is likely to be tolerated. This variant has not been reported in the literature in individuals affected with EXOSC9-related conditions. This variant is present in population databases (rs183848511, gnomAD 0.004%). This sequence change replaces threonine, which is neutral and polar, with isoleucine, which is neutral and non-polar, at codon 305 of the EXOSC9 protein (p.Thr305Ile).

NM_005033.3(EXOSC9):c.914C>T (p.Thr305Ile)

Gene: EXOSC9 (exosome component 9; plus strand). Cytogenetic location: 4q27.
Variant type: single nucleotide variant.
Coding change: c.914C>T on transcript NM_005033.3 (MANE Select); coding-DNA position 914, C replaced by T.
Protein change: p.Thr305Ile; replaces threonine 305 with isoleucine.
Molecular consequence: missense variant.
Genome position (GRCh38, 1-based): chr4:121,813,320, C>T. VCF-style: chr4-121813320-C-T. GRCh37 (hg19) VCF-style: chr4-122734475-C-T.
Other names: c.914C>T, p.Thr305Ile (NM_001034194.2); c.914C>T (NM_001034194.1); short protein forms T305I.
Identifiers: ClinVar variation 1404108 (VCV001404108.7), dbSNP rs183848511, ClinGen allele CA3063570.